The following is an entry in ClinVar:

ClinVar aggregate classification (germline): Uncertain significance (1 of 4 stars; one submission).

Submission:

Labcorp Genetics (formerly Invitae), Labcorp
Classification: Uncertain significance. Last evaluated: 2024-04-08. Review status: criteria provided, single submitter. Criteria: Invitae Variant Classification Sherloc (09022015). Collection method: clinical testing. Allele origin: germline.
Comment: This sequence change replaces aspartic acid, which is acidic and polar, with asparagine, which is neutral and polar, at codon 130 of the KIF11 protein (p.Asp130Asn). This variant is not present in population databases (gnomAD no frequency). This variant has not been reported in the literature in individuals affected with KIF11-related conditions. An algorithm developed to predict the effect of missense changes on protein structure and function (PolyPhen-2) suggests that this variant is likely to be disruptive. Algorithms developed to predict the effect of sequence changes on RNA splicing suggest that this variant may create or strengthen a splice site. In summary, the available evidence is currently insufficient to determine the role of this variant in disease. Therefore, it has been classified as a Variant of Uncertain Significance.

NM_004523.4(KIF11):c.388G>A (p.Asp130Asn)

Gene: KIF11 (kinesin family member 11; plus strand). Cytogenetic location: 10q23.33.
Variant type: single nucleotide variant.
Coding change: c.388G>A on transcript NM_004523.4 (MANE Select); coding-DNA position 388, G replaced by A.
Protein change: p.Asp130Asn; replaces aspartic acid 130 with asparagine.
Molecular consequence: missense variant.
Genome position (GRCh38, 1-based): chr10:92,609,020, G>A. VCF-style: chr10-92609020-G-A. GRCh37 (hg19) VCF-style: chr10-94368777-G-A.
Other names: short protein forms D130N.
Identifiers: ClinVar variation 3648383 (VCV003648383.2).